The following is an entry in ClinVar:

ClinVar aggregate classification (germline): Uncertain significance. Review status: criteria provided, multiple submitters, no conflicts (2 of 4 stars). 2 submissions from 2 submitters: Uncertain significance (2). Last evaluated 2022-01-16.

Conditions:
Jeune thoracic dystrophy. Also called: Jeune syndrome; Infantile thoracic dystrophy; Thoracic pelvic phalangeal dystrophy; Jeune's syndrome; Chondroectodermal dysplasia-like syndrome; Short-rib thoracic dysplasia. Identifiers: Orphanet 474, MedGen C0265275, MONDO:0018770.

Allele frequency attached by ClinVar (database versions not stated): gnomAD 0.00001; ExAC 0.00002; gnomAD exomes 0.00002 and 0.00006; TOPMed 0.00002.
gnomAD v4.1: 16 of 1,606,576 alleles (0.001%); highest among the groups gnomAD compares: Admixed American, 0.027%; no homozygotes.

Submissions (2):

Labcorp Genetics (formerly Invitae), Labcorp
Classification: Uncertain significance for Jeune thoracic dystrophy. Last evaluated: 2022-01-16. Review status: criteria provided, single submitter. Criteria: Invitae Variant Classification Sherloc (09022015). Collection method: clinical testing. Allele origin: germline.
Comment: This sequence change replaces threonine, which is neutral and polar, with isoleucine, which is neutral and non-polar, at codon 999 of the DYNC2H1 protein (p.Thr999Ile). This variant is present in population databases (rs753542063, gnomAD 0.04%). This variant has not been reported in the literature in individuals affected with DYNC2H1-related conditions. ClinVar contains an entry for this variant (Variation ID: 618073). Advanced modeling of protein sequence and biophysical properties (such as structural, functional, and spatial information, amino acid conservation, physicochemical variation, residue mobility, and thermodynamic stability) performed at Invitae indicates that this missense variant is not expected to disrupt DYNC2H1 protein function. In summary, the available evidence is currently insufficient to determine the role of this variant in disease. Therefore, it has been classified as a Variant of Uncertain Significance.

ARUP Laboratories, Molecular Genetics and Genomics, ARUP Laboratories
Classification: Uncertain significance. Last evaluated: 2017-12-28. Review status: criteria provided, single submitter. Criteria: ARUP Molecular Germline Variant Investigation Process. Collection method: clinical testing. Allele origin: germline.
Comment: The DYNC2H1 c.2996C>T; p.Thr999Ile variant (rs753542063), to our knowledge, is not reported in the medical literature, gene specific variation databases, nor has it been previously identified by our laboratory. This variant is listed in the genome Aggregation Database (gnomAD) with an overall population frequency of 0.005% (identified on 14 out of 244,104 chromosomes). The threonine at position 999 is highly conserved, considering 28 species (Alamut software v.2.20.0) and computational analyses of the effects of the p.Thr999Ile variant on protein structure and function do not agree (SIFT: tolerated, MutationTaster: disease causing, PolyPhen-2: benign, Align GVGD: Class C15). Based on the available information, the clinical significance of the p.Thr999Ile variant cannot be determined with certainty.

NM_001377.3(DYNC2H1):c.2996C>T (p.Thr999Ile)

Gene: DYNC2H1 (dynein cytoplasmic 2 heavy chain 1; plus strand). Cytogenetic location: 11q22.3.
Variant type: single nucleotide variant.
Coding change: c.2996C>T on transcript NM_001377.3 (MANE Select); coding-DNA position 2996, C replaced by T.
Protein change: p.Thr999Ile; replaces threonine 999 with isoleucine.
Molecular consequence: missense variant.
Genome position (GRCh38, 1-based): chr11:103,152,185, C>T. VCF-style: chr11-103152185-C-T. GRCh37 (hg19) VCF-style: chr11-103022914-C-T.
Other names: c.2996C>T, p.Thr999Ile (NM_001080463.2); short protein forms T999I.
Identifiers: ClinVar variation 618073 (VCV000618073.11), dbSNP rs753542063, ClinGen allele CA6253232.
Genomic context (GRCh38, chr11:103,152,185, plus strand): 5'-TTAACCTTTAGATTTTGCCCTTATTTCAAGAAGCTGAAGACAAAAACAGACTTTTACGAA[C>T]TGTGGCTGGTGGAGGTTTAGAAACAATTAGTAATTTGAAAGCCAAGTGGGATAAATTTGA-3'
Protein context (NP_001368.2, residues 989-1009): EAEDKNRLLR[Thr999Ile]VAGGGLETIS